The following is an entry in ClinVar:

NM_017780.4(CHD7):c.8278AATCTCCAG[1] (p.2760NLQ[1])

Gene: CHD7 (chromodomain helicase DNA binding protein 7; plus strand). Cytogenetic location: 8q12.2.
Variant type: Microsatellite.
Coding change: c.8278AATCTCCAG[1] on transcript NM_017780.4 (MANE Select); one copy of the 9-base unit AATCTCCAG starting at c.8278; the reference has two copies in a row; one copy, 9 bases deleted; also written c.8287_8295del.
Protein change: p.2760NLQ[1].
Molecular consequence: inframe deletion.
Genome position (GRCh38, 1-based): chr8:60,865,226-60,865,234, AATCTCCAG deleted; deleting any 9 consecutive bases within chr8:60,865,214-60,865,234 gives the same sequence; the position shown is the placement nearest the transcript's 3' end. VCF-style (leftmost placement, unchanged base first): chr8-60865213-TCAGAATCTC-T. GRCh37 (hg19) VCF-style: chr8-61777772-TCAGAATCTC-T.
Other names: c.2131AATCTCCAG[1], p.711NLQ[1] (NM_001316690.1); c.8287_8295del (NM_017780.4).
Identifiers: ClinVar variation 587576 (VCV000587576.12), dbSNP rs747665912, ClinGen allele CA4760980.

ClinVar aggregate classification (germline): Uncertain significance. Review status: criteria provided, multiple submitters, no conflicts (2 of 4 stars). 3 submissions from 3 submitters: Uncertain significance (3). Last evaluated 2024-02-06.

Conditions:
CHARGE syndrome (CHARGE). Also called: Coloboma, heart anomaly, choanal atresia, retardation, genital and ear anomalies; CHARGE association; Hall-Hittner syndrome; Hittner Hirsch Kreh syndrome; CHARGE ASSOCIATION--COLOBOMA, HEART ANOMALY, CHOANAL ATRESIA, RETARDATION, GENITAL AND EAR ANOMALIES. Identifiers: Orphanet 138, MedGen C0265354, MONDO:0008965.
Hypogonadotropic hypogonadism 5 with or without anosmia (KAL5). Also called: HYPOGONADOTROPIC HYPOGONADISM 5 WITH ANOSMIA; HYPOGONADOTROPHIC HYPOGONADISM 5 WITHOUT ANOSMIA; CHD7-Related GnRH Deficiency (Kallmann Syndrome 5). Identifiers: Orphanet 478, MedGen C3552553, MONDO:0012880, OMIM 612370. Disease mechanism: loss of function.

Submissions (3):

Fulgent Genetics
Classification: Uncertain significance for CHD7-related CHARGE syndrome; Hypogonadotropic hypogonadism 5 with or without anosmia. Last evaluated: 2024-02-06. Review status: criteria provided, single submitter. Criteria: ACMG Guidelines, 2015. Collection method: clinical testing. Allele origin: germline.

Labcorp Genetics (formerly Invitae), Labcorp
Classification: Uncertain significance for CHARGE syndrome. Last evaluated: 2023-04-18. Review status: criteria provided, single submitter. Criteria: Invitae Variant Classification Sherloc (09022015). Collection method: clinical testing. Allele origin: germline.
Comment: ClinVar contains an entry for this variant (Variation ID: 587576). Experimental studies and prediction algorithms are not available or were not evaluated, and the functional significance of this variant is currently unknown. In summary, the available evidence is currently insufficient to determine the role of this variant in disease. Therefore, it has been classified as a Variant of Uncertain Significance. This variant has not been reported in the literature in individuals affected with CHD7-related conditions. This variant is present in population databases (rs747665912, gnomAD 0.002%). This variant, c.8287_8295del, results in the deletion of 3 amino acid(s) of the CHD7 protein (p.Asn2763_Gln2765del), but otherwise preserves the integrity of the reading frame.

Genomic Research Center, Shahid Beheshti University of Medical Sciences
Classification: Uncertain significance for CHARGE association. Last evaluated: 2018-08-07. Review status: criteria provided, single submitter. Criteria: ACMG Guidelines, 2015. Collection method: clinical testing. Allele origin: inherited. Affected: yes. Observed: 1 variant allele.